The following is an entry in ClinVar:

ClinVar aggregate classification (germline): Uncertain significance. Review status: criteria provided, multiple submitters, no conflicts (2 of 4 stars). 2 submissions from 2 submitters: Uncertain significance (2). Last evaluated 2025-06-27.

Conditions:
Lenz-Majewski hyperostosis syndrome (LMHD). Also called: Lenz-Majewski hyperostotic dysplasia; Multiple congenital anomalies, mental retardation and progressive skeletal sclerosis; Hyperostotic dwarfism Lenz-Majewski type; PTDSS1-Related Lenz-Majewski Hyperostotic Dysplasia; LENZ-MAJEWSKI SYNDROME. Identifiers: Orphanet 2658, MedGen C0432269, MONDO:0007892, OMIM 151050.

Submissions (2):

GeneDx
Classification: Uncertain significance. Last evaluated: 2025-06-27. Review status: criteria provided, single submitter. Criteria: GeneDx Variant Classification Process June 2021. Collection method: clinical testing. Allele origin: germline. Affected: yes.
Comment: Not observed at significant frequency in large population cohorts (gnomAD); In silico analysis supports that this missense variant has a deleterious effect on protein structure/function; Has not been previously published as pathogenic or benign to our knowledge

Baylor Genetics
Classification: Uncertain significance for Lenz-Majewski hyperostosis syndrome. Last evaluated: 2023-05-25. Review status: criteria provided, single submitter. Criteria: ACMG Guidelines, 2015. Collection method: clinical testing. Allele origin: unknown.

NM_014754.3(PTDSS1):c.686G>A (p.Gly229Asp)

Gene: PTDSS1 (phosphatidylserine synthase 1; plus strand). Cytogenetic location: 8q22.1.
Variant type: single nucleotide variant.
Coding change: c.686G>A on transcript NM_014754.3 (MANE Select); coding-DNA position 686, G replaced by A.
Protein change: p.Gly229Asp; replaces glycine 229 with aspartic acid.
Molecular consequence: missense variant.
Genome position (GRCh38, 1-based): chr8:96,299,779, G>A. VCF-style: chr8-96299779-G-A. GRCh37 (hg19) VCF-style: chr8-97312007-G-A.
Other names: c.686G>A (NM_014754.2); c.248G>A, p.Gly83Asp (NM_001290225.2); short protein forms G229D, G83D.
Identifiers: ClinVar variation 2441809 (VCV002441809.4), dbSNP rs1811025876, ClinGen allele CA371756417.